The following is an entry in ClinVar:

NM_000235.4(LIPA):c.365G>T (p.Gly122Val)

Gene: LIPA (lipase A, lysosomal acid type; minus strand). Cytogenetic location: 10q23.31.
Variant type: single nucleotide variant.
Coding change: c.365G>T on transcript NM_000235.4 (MANE Select); coding-DNA position 365, G replaced by T.
Protein change: p.Gly122Val; replaces glycine 122 with valine.
Molecular consequence: missense variant.
Genome position (GRCh38, 1-based): chr10:89,228,263, C>A on the plus strand (G>T on the coding strand, the complement: LIPA is on the minus strand). VCF-style: chr10-89228263-C-A. GRCh37 (hg19) VCF-style: chr10-90988020-C-A.
Other names: c.365G>T, p.Gly122Val (NM_001127605.3); c.17G>T, p.Gly6Val (NM_001288979.2); short protein forms G6V, G122V.
Identifiers: ClinVar variation 2082691 (VCV002082691.4), dbSNP rs2495595374, ClinGen allele CA377517860.

ClinVar aggregate classification (germline): Uncertain significance (1 of 4 stars; one submission).

Conditions:
Wolman disease (WOLD). Also called: Acid cholesteryl ester hydrolase deficiency, Wolman type; Acid lipase disease; LYSOSOMAL ACID LIPASE DEFICIENCY, ACUTE INFANTILE; LYSOSOMAL ACID LIPASE DEFICIENCY, COMPLETE; LIPA DEFICIENCY, COMPLETE; LAL DEFICIENCY, COMPLETE. Identifiers: Orphanet 75233, MedGen C0043208, MONDO:0019148, OMIM 620151.

Submission:

Labcorp Genetics (formerly Invitae), Labcorp
Classification: Uncertain significance for Wolman disease. Last evaluated: 2022-01-14. Review status: criteria provided, single submitter. Criteria: Invitae Variant Classification Sherloc (09022015). Collection method: clinical testing. Allele origin: germline.
Comment: Algorithms developed to predict the effect of sequence changes on RNA splicing suggest that this variant may create or strengthen a splice site. Advanced modeling of protein sequence and biophysical properties (such as structural, functional, and spatial information, amino acid conservation, physicochemical variation, residue mobility, and thermodynamic stability) performed at Invitae indicates that this missense variant is expected to disrupt LIPA protein function. This variant has not been reported in the literature in individuals affected with LIPA-related conditions. This variant is not present in population databases (gnomAD no frequency). This sequence change replaces glycine, which is neutral and non-polar, with valine, which is neutral and non-polar, at codon 122 of the LIPA protein (p.Gly122Val). In summary, the available evidence is currently insufficient to determine the role of this variant in disease. Therefore, it has been classified as a Variant of Uncertain Significance.